The following is an entry in ClinVar:

NM_022124.6(CDH23):c.2143G>T (p.Gly715Cys)

Gene: CDH23 (cadherin related 23; plus strand). Cytogenetic location: 10q22.1.
Variant type: single nucleotide variant.
Coding change: c.2143G>T on transcript NM_022124.6 (MANE Select); coding-DNA position 2143, G replaced by T.
Protein change: p.Gly715Cys; replaces glycine 715 with cysteine.
Molecular consequence: missense variant.
Genome position (GRCh38, 1-based): chr10:71,690,551, G>T. VCF-style: chr10-71690551-G-T. GRCh37 (hg19) VCF-style: chr10-73450308-G-T.
Other names: c.2143G>T, p.Gly715Cys (NM_001171930.2, NM_001171931.2); c.2143G>T (NM_022124.5); short protein forms G715C.
Identifiers: ClinVar variation 2151393 (VCV002151393.3), dbSNP rs779489318, ClinGen allele CA5544100.
Genomic context (GRCh38, chr10:71,690,551, plus strand): 5'-GCCACAGACCTGGACCGCTCCCGGGAGTACGGCCAGGAGTCCATCATCTACTCCTTGGAA[G>T]GCTCCACCCAGTTTCGGATCAATGCCCGCTCAGGTGAGCCCCCCCACCCCAAGTACCCTG-3'
Protein context (NP_071407.4, residues 705-725): GQESIIYSLE[Gly715Cys]STQFRINARS

ClinVar aggregate classification (germline): Uncertain significance. Review status: criteria provided, multiple submitters, no conflicts (2 of 4 stars). 3 submissions from 3 submitters: Uncertain significance (3). Last evaluated 2026-03-18.

Allele frequency attached by ClinVar (database versions not stated): ExAC 0.00001; gnomAD exomes 0.00001; TOPMed 0.00001; gnomAD 0.00002.
gnomAD v4.1: 7 of 1,608,636 alleles (0.00044%); highest among the groups gnomAD compares: Admixed American, 0.01%; no homozygotes.

Submissions (3):

GeneDx
Classification: Uncertain significance. Last evaluated: 2026-03-18. Review status: criteria provided, single submitter. Criteria: GeneDx Variant Classification Process June 2021. Collection method: clinical testing. Allele origin: germline.
Comment: Not observed at significant frequency in large population cohorts (gnomAD); In silico analysis supports that this missense variant has a deleterious effect on protein structure/function; Has not been previously published as pathogenic or benign to our knowledge

Labcorp Genetics (formerly Invitae), Labcorp
Classification: Uncertain significance. Last evaluated: 2022-04-03. Review status: criteria provided, single submitter. Criteria: Invitae Variant Classification Sherloc (09022015). Collection method: clinical testing. Allele origin: germline.
Comment: This sequence change replaces glycine, which is neutral and non-polar, with cysteine, which is neutral and slightly polar, at codon 715 of the CDH23 protein (p.Gly715Cys). The frequency data for this variant in the population databases is considered unreliable, as metrics indicate poor data quality at this position in the gnomAD database. This variant has not been reported in the literature in individuals affected with CDH23-related conditions. Algorithms developed to predict the effect of missense changes on protein structure and function are either unavailable or do not agree on the potential impact of this missense change (SIFT: "Deleterious"; PolyPhen-2: "Not Available"; Align-GVGD: "Class C65"). In summary, the available evidence is currently insufficient to determine the role of this variant in disease. Therefore, it has been classified as a Variant of Uncertain Significance.

Blueprint Genetics
Classification: Uncertain significance. Last evaluated: 2017-09-05. Review status: criteria provided, single submitter. Criteria: ACMG Guidelines, 2015. Collection method: clinical testing. Allele origin: germline.